The following is an entry in ClinVar:

NM_133443.4(GPT2):c.975C>T (p.Pro325=)

Gene: GPT2 (glutamic--pyruvic transaminase 2; plus strand). Cytogenetic location: 16q11.2.
Variant type: single nucleotide variant.
Coding change: c.975C>T on transcript NM_133443.4 (MANE Select); coding-DNA position 975, C replaced by T.
Protein change: p.Pro325=; no amino-acid change (proline 325 retained).
Molecular consequence: synonymous variant.
Genome position (GRCh38, 1-based): chr16:46,918,695, C>T. VCF-style: chr16-46918695-C-T. GRCh37 (hg19) VCF-style: chr16-46952607-C-T.
Other names: p.Pro325=; c.675C>T, p.Pro225= (NM_001142466.3); c.975C>T (NM_133443.2).
Identifiers: ClinVar variation 1675622 (VCV001675622.35), dbSNP rs569695348, ClinGen allele CA8038757.

ClinVar aggregate classification (germline): Likely benign. Review status: criteria provided, multiple submitters, no conflicts (2 of 4 stars). 3 submissions from 3 submitters: Likely benign (3). Last evaluated 2025-08-02.

Conditions:
Inborn genetic diseases. Identifiers: MedGen C0950123, MeSH D030342.

Allele frequency attached by ClinVar (database versions not stated): gnomAD exomes 0.00004 and 0.00007; gnomAD 0.00006 and 0.00007; TOPMed 0.00006; ExAC 0.00007; 1000 Genomes Project 0.00020; 1000 Genomes Project 30x 0.00047.
gnomAD v4.1: 71 of 1,614,210 alleles (0.0044%); highest among the groups gnomAD compares: East Asian, 0.062%; no homozygotes.

Submissions (3):

Mayo Clinic Laboratories, Mayo Clinic
Classification: Likely benign. Last evaluated: 2025-08-02. Review status: criteria provided, single submitter. Criteria: ACMG Guidelines, 2015. Collection method: clinical testing. Allele origin: germline. Observed: 1 variant allele.
Comment: BP4, BP7

Ambry Genetics
Classification: Likely benign for Inborn genetic diseases. Last evaluated: 2024-02-12. Review status: criteria provided, single submitter. Criteria: Ambry Variant Classification Scheme 2023. Collection method: clinical testing. Allele origin: germline.

CeGaT Center for Human Genetics Tuebingen
Classification: Likely benign. Last evaluated: 2022-02-01. Review status: criteria provided, single submitter. Criteria: CeGaT Center For Human Genetics Tuebingen Variant Classification Criteria Version 2. Collection method: clinical testing. Allele origin: germline. Affected: yes. Observed: 1 variant allele.

Literature cited by the submitters: PubMed 35982159 (cited by Mayo Clinic Laboratories, Mayo Clinic); PubMed 35982160 (cited by Mayo Clinic Laboratories, Mayo Clinic).